The following is an entry in ClinVar:

ClinVar aggregate classification (germline): Uncertain significance (1 of 4 stars; one submission).

Conditions:
Primary ciliary dyskinesia 7. Also called: CILIARY DYSKINESIA, PRIMARY, 7, WITH OR WITHOUT SITUS INVERSUS. Identifiers: Orphanet 244, MedGen C2678473, MONDO:0012748, OMIM 611884.

gnomAD v4.1: 19 of 1,612,044 alleles (0.0012%); highest among the groups gnomAD compares: Non-Finnish European, 0.0015%; no homozygotes.

Submission:

Johns Hopkins Genomics, Johns Hopkins University
Classification: Uncertain significance for Primary ciliary dyskinesia 7. Last evaluated: 2025-02-03. Review status: criteria provided, single submitter. Criteria: ACMG Guidelines, 2015. Collection method: clinical testing. Allele origin: germline.
Comment: This DNAH11 missense variant (rs72657309) is rare (<0.1%) in a large population dataset (gnomADv4.1.0: 19/1612044 total alleles; 0.001%; no homozygotes). It has not been reported in ClinVar nor in the literature in individuals with primary ciliary dyskinesia 7, to our knowledge. Three bioinformatics tools predict that the substitution would be tolerated and the isoleucine residue at this position is poorly evolutionarily conserved across the species assessed. Due to the lack of clinical and functional data supporting that this variant is deleterious, we consider the clinical significance of DNAH11 c.4001T>G to be uncertain at this time.

Literature cited by the submitters: PubMed 39256880.

NM_001277115.2(DNAH11):c.4001T>G (p.Ile1334Ser)

Gene: DNAH11 (dynein axonemal heavy chain 11; plus strand). Cytogenetic location: 7p15.3.
Variant type: single nucleotide variant.
Coding change: c.4001T>G on transcript NM_001277115.2 (MANE Select); coding-DNA position 4001, T replaced by G.
Protein change: p.Ile1334Ser; replaces isoleucine 1334 with serine.
Molecular consequence: missense variant.
Genome position (GRCh38, 1-based): chr7:21,615,262, T>G. VCF-style: chr7-21615262-T-G. GRCh37 (hg19) VCF-style: chr7-21654880-T-G.
Other names: short protein forms I1334S.
Identifiers: ClinVar variation 4280064 (VCV004280064.1).